The following is an entry in ClinVar:

NM_015164.4(PLEKHM2):c.75T>G (p.Phe25Leu)

Gene: PLEKHM2 (pleckstrin homology and RUN domain containing M2; plus strand). Cytogenetic location: 1p36.21.
Variant type: single nucleotide variant.
Coding change: c.75T>G on transcript NM_015164.4 (MANE Select); coding-DNA position 75, T replaced by G.
Protein change: p.Phe25Leu; replaces phenylalanine 25 with leucine.
Molecular consequence: missense variant.
Genome position (GRCh38, 1-based): chr1:15,716,251, T>G. VCF-style: chr1-15716251-T-G. GRCh37 (hg19) VCF-style: chr1-16042746-T-G.
Other names: short protein forms F25L.
Identifiers: ClinVar variation 1498643 (VCV001498643.8), dbSNP rs1161377740, ClinGen allele CA338577300.

ClinVar aggregate classification (germline): Uncertain significance (1 of 4 stars; one submission).

Allele frequency attached by ClinVar (database versions not stated): gnomAD exomes below 0.00001.
gnomAD v4.1: 2 of 1,592,652 alleles (0.00013%); highest among the groups gnomAD compares: Admixed American, 0.0035%; no homozygotes.

Submission:

Labcorp Genetics (formerly Invitae), Labcorp
Classification: Uncertain significance. Last evaluated: 2024-02-16. Review status: criteria provided, single submitter. Criteria: Invitae Variant Classification Sherloc (09022015). Collection method: clinical testing. Allele origin: germline.
Comment: This sequence change replaces phenylalanine, which is neutral and non-polar, with leucine, which is neutral and non-polar, at codon 25 of the PLEKHM2 protein (p.Phe25Leu). The frequency data for this variant in the population databases is considered unreliable, as metrics indicate poor data quality at this position in the gnomAD database. This variant has not been reported in the literature in individuals affected with PLEKHM2-related conditions. ClinVar contains an entry for this variant (Variation ID: 1498643). An algorithm developed to predict the effect of missense changes on protein structure and function (PolyPhen-2) suggests that this variant is likely to be tolerated. In summary, the available evidence is currently insufficient to determine the role of this variant in disease. Therefore, it has been classified as a Variant of Uncertain Significance.